The following is an entry in ClinVar:

NM_201253.3(CRB1):c.629G>T (p.Cys210Phe)

Gene: CRB1 (crumbs cell polarity complex component 1; plus strand). Cytogenetic location: 1q31.3.
Variant type: single nucleotide variant.
Coding change: c.629G>T on transcript NM_201253.3 (MANE Select); coding-DNA position 629, G replaced by T.
Protein change: p.Cys210Phe; replaces cysteine 210 with phenylalanine.
Molecular consequence: missense variant. On other transcripts: non-coding transcript variant (2).
Genome position (GRCh38, 1-based): chr1:197,328,980, G>T. VCF-style: chr1-197328980-G-T. GRCh37 (hg19) VCF-style: chr1-197298110-G-T.
Other names: c.629G>T, p.Cys210Phe (NM_001193640.2, NM_001257966.2); c.422G>T, p.Cys141Phe (NM_001257965.2); short protein forms C210F, C141F.
Identifiers: ClinVar variation 867145 (VCV000867145.4), dbSNP rs972802394, ClinGen allele CA36046663.

ClinVar aggregate classification (germline): Conflicting classifications of pathogenicity. Review status: criteria provided, conflicting classifications (1 of 4 stars). 2 submissions from 2 submitters: Pathogenic (1); Uncertain significance (1). Last evaluated 2024-02-29.

Conditions:
CRB1-related disorder. Also called: CRB1-related condition; CRB1-related disorders.
Retinitis pigmentosa 12 (RP12). Also called: RP WITH OR WITHOUT PPRPE; RP WITH OR WITHOUT PRESERVED PARAARTERIOLE RETINAL PIGMENT EPITHELIUM; RETINITIS PIGMENTOSA WITH OR WITHOUT PARAARTERIOLAR PRESERVATION OF RETINAL PIGMENT EPITHELIUM. Identifiers: Orphanet 791, MedGen C1838647, MONDO:0010818, OMIM 600105.
Leber congenital amaurosis 8 (LCA8). Identifiers: Orphanet 65, MedGen C3151202, MONDO:0013453, OMIM 613835.

Allele frequency attached by ClinVar (database versions not stated): gnomAD exomes below 0.00001; gnomAD 0.00002; TOPMed 0.00002.
gnomAD v4.1: 5 of 1,613,100 alleles (0.00031%); highest among the groups gnomAD compares: African/African-American, 0.0067%; no homozygotes.

Submissions (2):

Labcorp Genetics (formerly Invitae), Labcorp
Classification: Uncertain significance for Leber congenital amaurosis 8; Retinitis pigmentosa 12. Last evaluated: 2024-02-29. Review status: criteria provided, single submitter. Criteria: Invitae Variant Classification Sherloc (09022015). Collection method: clinical testing. Allele origin: germline.
Comment: This sequence change replaces cysteine, which is neutral and slightly polar, with phenylalanine, which is neutral and non-polar, at codon 210 of the CRB1 protein (p.Cys210Phe). The frequency data for this variant in the population databases is considered unreliable, as metrics indicate poor data quality at this position in the gnomAD database. This variant has not been reported in the literature in individuals affected with CRB1-related conditions. ClinVar contains an entry for this variant (Variation ID: 867145). Advanced modeling of protein sequence and biophysical properties (such as structural, functional, and spatial information, amino acid conservation, physicochemical variation, residue mobility, and thermodynamic stability) performed at Invitae indicates that this missense variant is expected to disrupt CRB1 protein function with a positive predictive value of 95%. In summary, the available evidence is currently insufficient to determine the role of this variant in disease. Therefore, it has been classified as a Variant of Uncertain Significance.

Blueprint Genetics
Classification: Pathogenic for CRB1-related disorders. Last evaluated: 2022-06-06. Review status: criteria provided, single submitter. Criteria: ACMG Guidelines, 2015. Collection method: clinical testing. Allele origin: germline. Affected: yes. Observed: 4 variant alleles.